The following is an entry in ClinVar:

ClinVar aggregate classification (germline): Pathogenic (1 of 4 stars; one submission).

Conditions:
Autosomal dominant nonsyndromic hearing loss 6 (LFSNHL). Also called: DEAFNESS, AUTOSOMAL DOMINANT 14; DEAFNESS, AUTOSOMAL DOMINANT 38; Autosomal dominant nonsyndromic deafness 6; DIDMOAD (Diabetes Insipidus, Diabetes Mellitus, Optic Atrophy, and Deafness); DEAFNESS, AUTOSOMAL DOMINANT 6. Identifiers: Orphanet 90635, MedGen C1833021, MONDO:0010963, OMIM 600965.

Submission:

Laboratory of Prof. Karen Avraham, Tel Aviv University
Classification: Pathogenic for Autosomal dominant nonsyndromic hearing loss 6. Last evaluated: 2026-01-06. Review status: criteria provided, single submitter. Criteria: ACMG Guidelines, 2015. Collection method: research. Allele origin: germline. Inheritance: Autosomal dominant inheritance. Affected: yes. Observed: 1 heterozygote.
Comment: The WFS1 c.2554dup frameshift variant is a null variant in a gene where loss of function is a known mechanism involved in hearing loss and it has an extremely low frequency in gnomAD.

NM_006005.3(WFS1):c.2554dup (p.Ala852fs)

Gene: WFS1 (wolframin ER transmembrane glycoprotein; plus strand). Cytogenetic location: 4p16.1.
Variant type: Duplication.
Coding change: c.2554dup on transcript NM_006005.3 (MANE Select); coding-DNA position 2554, one base duplicated (G; older notation c.2554dupG).
Protein change: p.Ala852fs; shifts the reading frame from alanine 852.
Molecular consequence: frameshift variant.
Genome position (GRCh38, 1-based): chr4:6,302,349, G duplicated; the last of 2 consecutive G bases (chr4:6,302,348-6,302,349); duplicating either gives the same sequence. VCF-style (leftmost placement, unchanged base first): chr4-6302347-T-TG. GRCh37 (hg19) VCF-style: chr4-6304074-T-TG.
Other names: c.2554dup, p.Ala852fs (NM_001145853.1); short protein forms A852fs.
Identifiers: ClinVar variation 4684987 (VCV004684987.1).